The following is an entry in ClinVar:

NM_002335.4(LRP5):c.3225C>A (p.Asn1075Lys)

Gene: LRP5 (LDL receptor related protein 5; plus strand). Cytogenetic location: 11q13.2.
Variant type: single nucleotide variant.
Coding change: c.3225C>A on transcript NM_002335.4 (MANE Select); coding-DNA position 3225, C replaced by A.
Protein change: p.Asn1075Lys; replaces asparagine 1075 with lysine.
Molecular consequence: missense variant.
Genome position (GRCh38, 1-based): chr11:68,423,686, C>A. VCF-style: chr11-68423686-C-A. GRCh37 (hg19) VCF-style: chr11-68191154-C-A.
Other names: c.1482C>A, p.Asn494Lys (NM_001291902.2); short protein forms N1075K, N494K.
Identifiers: ClinVar variation 1974983 (VCV001974983.5), dbSNP rs774177044, ClinGen allele CA381620972.

ClinVar aggregate classification (germline): Uncertain significance (1 of 4 stars; one submission).

Submission:

Labcorp Genetics (formerly Invitae), Labcorp
Classification: Uncertain significance. Last evaluated: 2025-09-02. Review status: criteria provided, single submitter. Criteria: Invitae Variant Classification Sherloc (09022015). Collection method: clinical testing. Allele origin: germline.
Comment: This sequence change replaces asparagine, which is neutral and polar, with lysine, which is basic and polar, at codon 1075 of the LRP5 protein (p.Asn1075Lys). This variant is not present in population databases (gnomAD no frequency). This variant has not been reported in the literature in individuals affected with LRP5-related conditions. ClinVar contains an entry for this variant (Variation ID: 1974983). Invitae Evidence Modeling of protein sequence and biophysical properties (such as structural, functional, and spatial information, amino acid conservation, physicochemical variation, residue mobility, and thermodynamic stability) indicates that this missense variant is not expected to disrupt LRP5 protein function with a negative predictive value of 95%. In summary, the available evidence is currently insufficient to determine the role of this variant in disease. Therefore, it has been classified as a Variant of Uncertain Significance.